The following is an entry in ClinVar:

ClinVar aggregate classification (germline): Benign (1 of 4 stars; one submission).

Conditions:
Polycystic liver disease 2 (PCLD2). Also called: Polycystic liver disease 2 with or without kidney cysts. Identifiers: Orphanet 2924, MedGen C4310769, MONDO:0014860, OMIM 617004.

Allele frequency attached by ClinVar (database versions not stated): 1000 Genomes Project 0.00060; 1000 Genomes Project 30x 0.00047; TOPMed 0.00116; gnomAD 0.00145 and 0.00149.

Submission:

Illumina Laboratory Services, Illumina
Classification: Benign for Polycystic liver disease 2. Last evaluated: 2018-01-12. Review status: criteria provided, single submitter. Criteria: ICSL Variant Classification Criteria 13 December 2019. Collection method: clinical testing. Allele origin: germline.
Comment: This variant was observed in the ICSL laboratory as part of a predisposition screen in an ostensibly healthy population. It had not been previously curated by ICSL or reported in the Human Gene Mutation Database (HGMD: prior to June 1st, 2018), and was therefore a candidate for classification through an automated scoring system. Utilizing variant allele frequency, disease prevalence and penetrance estimates, and inheritance mode, an automated score was calculated to assess if this variant is too frequent to cause the disease. Based on the score and internal cut-off values, a variant classified as benign is not then subjected to further curation. The score for this variant resulted in a classification of benign for this disease.

NM_007214.5(SEC63):c.*3501A>G

Gene: SEC63 (SEC63 homolog, protein translocation regulator; minus strand). Cytogenetic location: 6q21.
Variant type: single nucleotide variant.
Coding change: c.*3501A>G on transcript NM_007214.5 (MANE Select); 3501 bases downstream of the stop codon, A replaced by G.
Molecular consequence: 3 prime UTR variant.
Genome position (GRCh38, 1-based): chr6:107,868,203, T>C on the plus strand (A>G on the coding strand, the complement: SEC63 is on the minus strand). VCF-style: chr6-107868203-T-C. GRCh37 (hg19) VCF-style: chr6-108189407-T-C.
Identifiers: ClinVar variation 354816 (VCV000354816.5), dbSNP rs377612532, ClinGen allele CA10625566.